The following is an entry in ClinVar:

ClinVar aggregate classification (germline): Uncertain significance (1 of 4 stars; one submission).

Conditions:
Idiopathic generalized epilepsy. Also called: Generalised epilepsy; EIG. Identifiers: MedGen C0270850, MONDO:0005579, OMIM 600669.

Submission:

Labcorp Genetics (formerly Invitae), Labcorp
Classification: Uncertain significance for Idiopathic generalized epilepsy. Last evaluated: 2025-05-27. Review status: criteria provided, single submitter. Criteria: Invitae Variant Classification Sherloc (09022015). Collection method: clinical testing. Allele origin: germline.
Comment: This sequence change replaces valine, which is neutral and non-polar, with alanine, which is neutral and non-polar, at codon 72 of the GABRD protein (p.Val72Ala). This variant is not present in population databases (gnomAD no frequency). This variant has not been reported in the literature in individuals affected with GABRD-related conditions. An algorithm developed to predict the effect of missense changes on protein structure and function (PolyPhen-2) suggests that this variant is likely to be disruptive. In summary, the available evidence is currently insufficient to determine the role of this variant in disease. Therefore, it has been classified as a Variant of Uncertain Significance.

NM_000815.5(GABRD):c.215T>C (p.Val72Ala)

Gene: GABRD (gamma-aminobutyric acid type A receptor subunit delta; plus strand). Cytogenetic location: 1p36.33.
Variant type: single nucleotide variant.
Coding change: c.215T>C on transcript NM_000815.5 (MANE Select); coding-DNA position 215, T replaced by C.
Protein change: p.Val72Ala; replaces valine 72 with alanine.
Molecular consequence: missense variant.
Genome position (GRCh38, 1-based): chr1:2,025,367, T>C. VCF-style: chr1-2025367-T-C. GRCh37 (hg19) VCF-style: chr1-1956806-T-C.
Other names: short protein forms V72A.
Identifiers: ClinVar variation 4720010 (VCV004720010.1).